The following is an entry in ClinVar:

NM_000379.4(XDH):c.1911C>T (p.Ser637=)

Gene: XDH (xanthine dehydrogenase; minus strand). Cytogenetic location: 2p23.1.
Variant type: single nucleotide variant.
Coding change: c.1911C>T on transcript NM_000379.4 (MANE Select); coding-DNA position 1911, C replaced by T.
Protein change: p.Ser637=; no amino-acid change (serine 637 retained).
Molecular consequence: synonymous variant.
Genome position (GRCh38, 1-based): chr2:31,370,424, G>A on the plus strand (C>T on the coding strand, the complement: XDH is on the minus strand). VCF-style: chr2-31370424-G-A. GRCh37 (hg19) VCF-style: chr2-31593290-G-A.
Other names: c.1911C>T (NM_000379.3).
Identifiers: ClinVar variation 1608824 (VCV001608824.11), dbSNP rs142197675, ClinGen allele CA1599037.

ClinVar aggregate classification (germline): Benign/Likely benign. Review status: criteria provided, multiple submitters, no conflicts (2 of 4 stars). 3 submissions from 3 submitters: Benign (1); Likely benign (1). 1 of the submissions does not count toward it. Last evaluated 2025-07-14.

Conditions:
Xanthinuria type II. Also called: Xanthine dehydrogenase and aldehyde oxidase combined deficiency of; XDH and AOX dual deficiency. Identifiers: Orphanet 3467, Orphanet 93602, MedGen C1863688, MONDO:0011346, OMIM 603592.
XDH-related disorder. Also called: XDH-related condition.
Hereditary xanthinuria type 1 (XAN1). Identifiers: Orphanet 3467, Orphanet 93601, MedGen C0268118, MONDO:0010209, OMIM 278300.

Allele frequency attached by ClinVar (database versions not stated): gnomAD exomes 0.00005 and 0.00017; 1000 Genomes Project 30x 0.00016; ExAC 0.00019; 1000 Genomes Project 0.00020; gnomAD 0.00050 and 0.00058; ESP Exome Variant Server 0.00062.
gnomAD v4.1: 145 of 1,614,066 alleles (0.009%); highest among the groups gnomAD compares: African/African-American, 0.15%; no homozygotes.

Submissions (3):

Labcorp Genetics (formerly Invitae), Labcorp
Classification: Benign for Xanthinuria type II. Last evaluated: 2025-07-14. Review status: criteria provided, single submitter. Criteria: Invitae Variant Classification Sherloc (09022015). Collection method: clinical testing. Allele origin: germline.

Fulgent Genetics
Classification: Likely benign for Hereditary xanthinuria type 1. Last evaluated: 2022-02-01. Review status: criteria provided, single submitter. Criteria: ACMG Guidelines, 2015. Collection method: clinical testing. Allele origin: unknown.

PreventionGenetics, part of Exact Sciences
Classification: Likely benign for XDH-related condition. Last evaluated: 2019-10-21. Review status: no assertion criteria provided. Collection method: clinical testing. Allele origin: germline. Not counted in ClinVar's aggregate classification.
Comment: This variant is classified as likely benign based on ACMG/AMP sequence variant interpretation guidelines (Richards et al. 2015 PMID: 25741868, with internal and published modifications).